The following is an entry in ClinVar:

ClinVar aggregate classification (germline): Uncertain significance (1 of 4 stars; one submission).

Conditions:
Neurofibromatosis, type 1 (NF1). Also called: Peripheral type neurofibromatosis; NEUROFIBROMATOSIS, TYPE I, SOMATIC; VON RECKLINGHAUSEN DISEASE; Neurofibromatosis, type I. Identifiers: Orphanet 636, MedGen C0027831, MONDO:0018975, OMIM 162200. Disease mechanism: loss of function.

gnomAD v4.1: 1 of 1,612,806 alleles (0.000062%); no homozygotes.

Submission:

Labcorp Genetics (formerly Invitae), Labcorp
Classification: Uncertain significance for Neurofibromatosis, type 1. Last evaluated: 2025-12-22. Review status: criteria provided, single submitter. Criteria: Invitae Variant Classification Sherloc (09022015). Collection method: clinical testing. Allele origin: germline.
Comment: This sequence change falls in intron 21 of the NF1 gene. It does not directly change the encoded amino acid sequence of the NF1 protein. It affects a nucleotide within the consensus splice site. This variant is not present in population databases (gnomAD no frequency). This variant has not been reported in the literature in individuals affected with NF1-related conditions. ClinVar contains an entry for this variant (Variation ID: 2100362). Variants that disrupt the consensus splice site are a relatively common cause of aberrant splicing (PMID: 17576681, 9536098). Algorithms developed to predict the effect of sequence changes on RNA splicing suggest that this variant is not likely to affect RNA splicing. In summary, the available evidence is currently insufficient to determine the role of this variant in disease. Therefore, it has been classified as a Variant of Uncertain Significance.

Literature cited by the submitters: PubMed 17576681; PubMed 9536098.

NM_001042492.3(NF1):c.2850+6G>C

Gene: NF1 (neurofibromin 1; plus strand). Cytogenetic location: 17q11.2.
Variant type: single nucleotide variant.
Coding change: c.2850+6G>C on transcript NM_001042492.3 (MANE Select); 6 bases into the intron after coding-DNA position 2850, G replaced by C.
Molecular consequence: intron variant.
Genome position (GRCh38, 1-based): chr17:31,229,471, G>C. VCF-style: chr17-31229471-G-C. GRCh37 (hg19) VCF-style: chr17-29556489-G-C.
Other names: c.2850+6G>C (NM_000267.4).
Identifiers: ClinVar variation 2100362 (VCV002100362.4), dbSNP rs756650807, ClinGen allele CA2580093396.